The following is an entry in ClinVar:

NM_031466.8(TRAPPC9):c.-157A>C

Gene: TRAPPC9 (trafficking protein particle complex subunit 9; minus strand). Cytogenetic location: 8q24.3.
Variant type: single nucleotide variant.
Coding change: c.-157A>C on transcript NM_031466.8; 157 bases upstream of the start codon, A replaced by C.
Molecular consequence: 5 prime UTR variant.
Genome position (GRCh38, 1-based): chr8:140,458,427, T>G on the plus strand (A>C on the coding strand, the complement: TRAPPC9 is on the minus strand). VCF-style: chr8-140458427-T-G. GRCh37 (hg19) VCF-style: chr8-141468526-T-G.
Identifiers: ClinVar variation 3044839 (VCV003044839.2), dbSNP rs2540598293, ClinGen allele CA463098915.
Genomic context (GRCh38, chr8:140,458,427, plus strand): 5'-GCGGCACCCCCTGTGACCCTCACGGTACCCCCCGTGACTCCCACGGTCGTGCCCCCCACG[T>G]GGGTGGGTGACCGTGGCGCGCGCGGCCTGGGAGCGCCTCCAGGATCGCAGGGCCCGGGAG-3'

ClinVar aggregate classification (germline): Likely benign (0 of 4 stars; one submission).

Conditions:
TRAPPC9-related disorder. Also called: TRAPPC9-related condition.

Submission:

PreventionGenetics, part of Exact Sciences
Classification: Likely benign for TRAPPC9-related condition. Last evaluated: 2020-10-01. Review status: no assertion criteria provided. Collection method: clinical testing. Allele origin: germline.
Comment: This variant is classified as likely benign based on ACMG/AMP sequence variant interpretation guidelines (Richards et al. 2015 PMID: 25741868, with internal and published modifications).